The following is an entry in ClinVar:

NM_001377265.1(MAPT):c.*334A>G

Gene: MAPT (microtubule associated protein tau). Cytogenetic location: 17q21.31.
Variant type: single nucleotide variant.
Coding change: c.*334A>G on transcript NM_001377265.1 (MANE Select); 334 bases downstream of the stop codon, A replaced by G.
Molecular consequence: 3 prime UTR variant. On other transcripts: non-coding transcript variant (1), intron variant (1).
Genome position (GRCh38, 1-based): chr17:46,024,505, A>G. VCF-style: chr17-46024505-A-G. GRCh37 (hg19) VCF-style: chr17-44101871-A-G.
Other names: c.*334A>G (NM_001123066.4, NM_001123067.4, NM_001203251.2 and 7 more transcripts); c.772-612A>G (NM_001377267.1).
Identifiers: ClinVar variation 323657 (VCV000323657.6), dbSNP rs8712, ClinGen allele CA10645890.
Genomic context (GRCh38, chr17:46,024,505, plus strand): 5'-AACATTTCCTCAGGCAATTCCTTTTGATTCTTTTTTCTTCCCCCTCCATGTAGAAGAGGG[A>G]GAAGGAGAGGCTCTGAAAGCTGCTTCTGGGGGATTTCAAGGGACTGGGGGTGCCAACCAC-3'

ClinVar aggregate classification (germline): Benign. Review status: criteria provided, multiple submitters, no conflicts (2 of 4 stars). 2 submissions from 2 submitters: Benign (2). Last evaluated 2018-01-13.

Conditions:
MAPT-Related Spectrum Disorders.

Allele frequency attached by ClinVar (database versions not stated): 1000 Genomes Project 0.08586; gnomAD 0.14190 and 0.14473; TOPMed 0.14665; gnomAD exomes 0.15228.
gnomAD v4.1: 60,864 of 408,408 alleles (15%); highest among the groups gnomAD compares: Non-Finnish European, 20%; 5,895 homozygotes.

Submissions (2):

Illumina Laboratory Services, Illumina
Classification: Benign for MAPT-Related Spectrum Disorders. Last evaluated: 2018-01-13. Review status: criteria provided, single submitter. Criteria: ICSL Variant Classification Criteria 13 December 2019. Collection method: clinical testing. Allele origin: germline.
Comment: This variant was observed in the ICSL laboratory as part of a predisposition screen in an ostensibly healthy population. It had not been previously curated by ICSL or reported in the Human Gene Mutation Database (HGMD: prior to June 1st, 2018), and was therefore a candidate for classification through an automated scoring system. Utilizing variant allele frequency, disease prevalence and penetrance estimates, and inheritance mode, an automated score was calculated to assess if this variant is too frequent to cause the disease. Based on the score and internal cut-off values, a variant classified as benign is not then subjected to further curation. The score for this variant resulted in a classification of benign for this disease.

Breakthrough Genomics
Classification: Benign. Review status: criteria provided, single submitter. Criteria: ACMG Guidelines, 2015. Collection method: not provided. Allele origin: germline. Inheritance: Autosomal recessive inheritance. Affected: yes.